The following is an entry in ClinVar:

ClinVar aggregate classification (germline): Benign/Likely benign. Review status: criteria provided, multiple submitters, no conflicts (2 of 4 stars). 4 submissions from 4 submitters: Benign (3); Likely benign (1). Last evaluated 2025-03-28.

Conditions:
KMT2B-related disorder. Also called: KMT2B-related condition; KMT2B-related disorders. Identifiers: MedGen CN381338.
Dystonia 28, childhood-onset (DYT28). Also called: KMT2B-Related Dystonia (DYT-KMT2B). Identifiers: Orphanet 589618, MedGen C4310633, MONDO:0015004, OMIM 617284.

Allele frequency attached by ClinVar (database versions not stated): gnomAD 0.00002 and 0.00015; TOPMed 0.00004; gnomAD exomes 0.00026 and 0.00063; 1000 Genomes Project 30x 0.00141; ExAC 0.00159; 1000 Genomes Project 0.00160.

Submissions (5):

PreventionGenetics, part of Exact Sciences
Classification: Benign for KMT2B-related condition. Last evaluated: 2025-03-28. Review status: criteria provided, single submitter. Criteria: ACMG Guidelines, 2015. Collection method: clinical testing. Allele origin: germline.
Comment: This variant is classified as benign based on ACMG/AMP sequence variant interpretation guidelines (Richards et al. 2015 PMID: 25741868, with internal and published modifications).

Labcorp Genetics (formerly Invitae), Labcorp
Classification: Benign. Last evaluated: 2025-03-23. Review status: criteria provided, single submitter. Criteria: Invitae Variant Classification Sherloc (09022015). Collection method: clinical testing. Allele origin: germline.

Fulgent Genetics
Classification: Likely benign for Dystonia 28, childhood-onset. Last evaluated: 2022-03-04. Review status: criteria provided, single submitter. Criteria: ACMG Guidelines, 2015. Collection method: clinical testing. Allele origin: unknown.

GeneDx
Classification: Benign. Last evaluated: 2020-12-18. Review status: criteria provided, single submitter. Criteria: GeneDx Variant Classification Process June 2021. Collection method: clinical testing. Allele origin: germline. Affected: yes.

Dr. Peter K. Rogan Lab, Western University
No classification provided (evidence only). Condition: Malignant tumor of urinary bladder. Review status: no classification provided. Collection method: in vitro. Allele origin: not applicable. Functional consequence: retained intron. Not counted in ClinVar's aggregate classification.

NM_014727.3(KMT2B):c.1847G>A (p.Arg616Gln)

Gene: KMT2B (lysine methyltransferase 2B; plus strand). Cytogenetic location: 19q13.12.
Variant type: single nucleotide variant.
Coding change: c.1847G>A on transcript NM_014727.3 (MANE Select); coding-DNA position 1847, G replaced by A.
Protein change: p.Arg616Gln; replaces arginine 616 with glutamine.
Molecular consequence: missense variant.
Genome position (GRCh38, 1-based): chr19:35,721,194, G>A. VCF-style: chr19-35721194-G-A. GRCh37 (hg19) VCF-style: chr19-36212096-G-A.
Other names: short protein forms R616Q.
Identifiers: ClinVar variation 1275693 (VCV001275693.9), dbSNP rs375135657, ClinGen allele CA9384308.